The following is an entry in ClinVar:

ClinVar aggregate classification (germline): Uncertain significance. Review status: criteria provided, multiple submitters, no conflicts (2 of 4 stars). 8 submissions from 5 submitters: Uncertain significance (8). Last evaluated 2026-01-12.

Conditions:
Congenital myopathy 18. Also called: Myopathy, congenital, due to dihydropyridine receptor defect; DIHYDROPYRIDINE RECEPTOR CONGENITAL MYOPATHY; DHPR CONGENITAL MYOPATHY. Identifiers: MedGen C5830283, MONDO:0859514, OMIM 620246.
Hypokalemic periodic paralysis, type 1. Also called: Hypokalemic Periodic Paralysis Type 1 (AD); HypoPP. Identifiers: Orphanet 681, MedGen C3714580, MONDO:0042979, OMIM 170400.
Malignant hyperthermia, susceptibility to, 5 (MHS5). Also called: CACNA1S-Related Malignant Hyperthermia Susceptibility. Identifiers: Orphanet 423, MedGen C1866077, MONDO:0011163, OMIM 601887.
Thyrotoxic periodic paralysis, susceptibility to, 1 (TTPP1). Identifiers: Orphanet 79102, MedGen C2749982, MONDO:0008570, OMIM 188580.

Allele frequency attached by ClinVar (database versions not stated): gnomAD 0.00001; TOPMed 0.00002; gnomAD exomes 0.00003.
gnomAD v4.1: 52 of 1,612,230 alleles (0.0032%); highest among the groups gnomAD compares: Non-Finnish European, 0.004%; no homozygotes.

Submissions (8):

Labcorp Genetics (formerly Invitae), Labcorp
Classification: Uncertain significance for Hypokalemic periodic paralysis, type 1; Malignant hyperthermia, susceptibility to, 5. Last evaluated: 2026-01-12. Review status: criteria provided, single submitter. Criteria: Invitae Variant Classification Sherloc (09022015). Collection method: clinical testing. Allele origin: germline.
Comment: This sequence change affects codon 719 of the CACNA1S mRNA. It is a 'silent' change, meaning that it does not change the encoded amino acid sequence of the CACNA1S protein. This variant also falls at the last nucleotide of exon 15, which is part of the consensus splice site for this exon. This variant is present in population databases (no rsID available, gnomAD 0.007%). This variant has not been reported in the literature in individuals affected with CACNA1S-related conditions. ClinVar contains an entry for this variant (Variation ID: 850003). Variants that disrupt the consensus splice site are a relatively common cause of aberrant splicing (PMID: 17576681, 9536098). Algorithms developed to predict the effect of sequence changes on RNA splicing suggest that this variant may disrupt the consensus splice site. In summary, the available evidence is currently insufficient to determine the role of this variant in disease. Therefore, it has been classified as a Variant of Uncertain Significance.

Color Diagnostics, LLC DBA Color Health
Classification: Uncertain significance for Malignant hyperthermia, susceptibility to, 5. Last evaluated: 2025-08-25. Review status: criteria provided, single submitter. Criteria: ACMG Guidelines, 2015. Collection method: clinical testing. Allele origin: germline.
Comment: This variant synonymous variant in the CACNA1S gene is predicted to impact RNA splicing. To our knowledge, functional studies have not been reported for this variant. This variant has not been reported in individuals affected with CACNA1S-related disorders in the literature. This variant has been identified in 7/251488 chromosomes in the general population by the Genome Aggregation Database (gnomAD). The available evidence is insufficient to determine the role of this variant in disease conclusively. Therefore, this variant is classified as a Variant of Uncertain Significance.

All of Us Research Program, National Institutes of Health
Classification: Uncertain significance for Malignant hyperthermia, susceptibility to, 5. Last evaluated: 2023-11-20. Review status: criteria provided, single submitter. Criteria: ACMG Guidelines, 2015. Collection method: clinical testing. Allele origin: germline. Inheritance: Autosomal dominant inheritance. Observed: 2 variant alleles, 2 heterozygotes.
Comment: This variant synonymous variant in the CACNA1S gene is predicted to impact RNA splicing. To our knowledge, functional studies have not been reported for this variant. This variant has not been reported in individuals affected with CACNA1S-related disorders in the literature. This variant has been identified in 7/251488 chromosomes in the general population by the Genome Aggregation Database (gnomAD). The available evidence is insufficient to determine the role of this variant in disease conclusively. Therefore, this variant is classified as a Variant of Uncertain Significance.

This study involves interpretation of variants in research participants for the purpose of population health screening. Participant phenotype was not available at the time of variant classification. Additional details can be found in publication PMID: 35346344, PMCID: PMC8962531

Genome-Nilou Lab
Classification: Uncertain significance for Malignant hyperthermia, susceptibility to, 5. Last evaluated: 2023-04-11. Review status: criteria provided, single submitter. Criteria: ACMG Guidelines, 2015. Collection method: clinical testing. Allele origin: germline. Affected: no.

Genome-Nilou Lab
Classification: Uncertain significance for Thyrotoxic periodic paralysis, susceptibility to, 1. Last evaluated: 2023-04-11. Review status: criteria provided, single submitter. Criteria: ACMG Guidelines, 2015. Collection method: clinical testing. Allele origin: germline. Affected: no.

Genome-Nilou Lab
Classification: Uncertain significance for Congenital myopathy 18. Last evaluated: 2023-04-11. Review status: criteria provided, single submitter. Criteria: ACMG Guidelines, 2015. Collection method: clinical testing. Allele origin: germline. Affected: no.

Genome-Nilou Lab
Classification: Uncertain significance for Hypokalemic periodic paralysis, type 1. Last evaluated: 2023-04-11. Review status: criteria provided, single submitter. Criteria: ACMG Guidelines, 2015. Collection method: clinical testing. Allele origin: germline. Affected: no.

Athena Diagnostics
Classification: Uncertain significance. Last evaluated: 2020-02-28. Review status: criteria provided, single submitter. Criteria: Athena Diagnostics Criteria. Collection method: clinical testing. Allele origin: unknown.

Literature cited by the submitters: PubMed 17576681 (cited by Labcorp Genetics (formerly Invitae), Labcorp); PubMed 9536098 (cited by Labcorp Genetics (formerly Invitae), Labcorp).

NM_000069.3(CACNA1S):c.2157G>A (p.Lys719=)

Gene: CACNA1S (calcium voltage-gated channel subunit alpha1 S; minus strand). Cytogenetic location: 1q32.1.
Variant type: single nucleotide variant.
Coding change: c.2157G>A on transcript NM_000069.3 (MANE Select); coding-DNA position 2157, G replaced by A.
Protein change: p.Lys719=; no amino-acid change (lysine 719 retained).
Molecular consequence: synonymous variant.
Genome position (GRCh38, 1-based): chr1:201,073,549, C>T on the plus strand (G>A on the coding strand, the complement: CACNA1S is on the minus strand). VCF-style: chr1-201073549-C-T. GRCh37 (hg19) VCF-style: chr1-201042677-C-T.
Identifiers: ClinVar variation 850003 (VCV000850003.12), dbSNP rs889659456, ClinGen allele CA35975002.